The following is an entry in ClinVar:

NM_001875.5(CPS1):c.2182A>G (p.Lys728Glu)

Gene: CPS1 (carbamoyl-phosphate synthase 1; plus strand). Cytogenetic location: 2q34.
Variant type: single nucleotide variant.
Coding change: c.2182A>G on transcript NM_001875.5 (MANE Select); coding-DNA position 2182, A replaced by G.
Protein change: p.Lys728Glu; replaces lysine 728 with glutamic acid.
Molecular consequence: missense variant. On other transcripts: non-coding transcript variant (2).
Genome position (GRCh38, 1-based): chr2:210,606,931, A>G. VCF-style: chr2-210606931-A-G. GRCh37 (hg19) VCF-style: chr2-211471655-A-G.
Other names: c.2182A>G, p.Lys728Glu (NM_001122633.3, NM_001369257.1); c.2215A>G, p.Lys739Glu (NM_001369256.1); short protein forms K728E, K739E.
Identifiers: ClinVar variation 4291810 (VCV004291810.2).

ClinVar aggregate classification (germline): Uncertain significance. Review status: criteria provided, multiple submitters, no conflicts (2 of 4 stars). 2 submissions from 2 submitters: Uncertain significance (2). Last evaluated 2025-11-27.

Conditions:
Congenital hyperammonemia, type I. Also called: Carbamoyl phosphate synthetase I deficiency disease; Carbamoyl phosphate synthetase 1 deficiency; Hyperammonemia due to carbamoyl phosphate synthetase 1 deficiency; CPS 1 deficiency; Carbamyl phosphate synthetase (CPS) deficiency; CPS I DEFICIENCY. Identifiers: Orphanet 147, MedGen C4082171, MONDO:0009376, OMIM 237300.

Submissions (2):

Labcorp Genetics (formerly Invitae), Labcorp
Classification: Uncertain significance for Congenital hyperammonemia, type I. Last evaluated: 2025-11-27. Review status: criteria provided, single submitter. Criteria: Invitae Variant Classification Sherloc (09022015). Collection method: clinical testing. Allele origin: germline.
Comment: This sequence change replaces lysine, which is basic and polar, with glutamic acid, which is acidic and polar, at codon 728 of the CPS1 protein (p.Lys728Glu). This variant is not present in population databases (gnomAD no frequency). This variant has not been reported in the literature in individuals affected with CPS1-related conditions. ClinVar contains an entry for this variant (Variation ID: 4291810). Invitae Evidence Modeling of protein sequence and biophysical properties (such as structural, functional, and spatial information, amino acid conservation, physicochemical variation, residue mobility, and thermodynamic stability) indicates that this missense variant is expected to disrupt CPS1 protein function with a positive predictive value of 95%. In summary, the available evidence is currently insufficient to determine the role of this variant in disease. Therefore, it has been classified as a Variant of Uncertain Significance.

3billion
Classification: Uncertain significance for Congenital hyperammonemia, type I. Last evaluated: 2024-12-06. Review status: criteria provided, single submitter. Criteria: ACMG Guidelines, 2015. Collection method: clinical testing. Allele origin: germline. Affected: yes.
Comment: The variant is observed at an extremely low frequency in the gnomAD v4.1.0 dataset (total allele frequency: <0.001%). Predicted Consequence/Location: Frameshift: predicted to result in a loss or disruption of normal protein function through nonsense-mediated decay (NMD) or protein truncation. Multiple pathogenic variants are reported downstream of the variant. The variant has been reported to be associated with CPS1-related disorder (ClinVar ID: VCV002971435 /PMID: 32154057). Therefore, this variant is classified as Pathogenic according to the recommendation of ACMG/AMP guideline.